The following is an entry in ClinVar:

NM_001044.5(SLC6A3):c.1081G>A (p.Gly361Ser)

Gene: SLC6A3 (solute carrier family 6 member 3). Cytogenetic location: 5p15.33.
Variant type: single nucleotide variant.
Coding change: c.1081G>A on transcript NM_001044.5 (MANE Select); coding-DNA position 1081, G replaced by A.
Protein change: p.Gly361Ser; replaces glycine 361 with serine.
Molecular consequence: missense variant.
Genome position (GRCh38, 1-based): chr5:1,414,766, C>T on the plus strand (G>A on the coding strand, the complement: SLC6A3 is on the minus strand). VCF-style: chr5-1414766-C-T. GRCh37 (hg19) VCF-style: chr5-1414881-C-T.
Other names: short protein forms G361S.
Identifiers: ClinVar variation 1403961 (VCV001403961.8), dbSNP rs766875221, ClinGen allele CA3186163.

ClinVar aggregate classification (germline): Uncertain significance (1 of 4 stars; one submission).

Conditions:
Parkinsonism-dystonia, infantile. Identifiers: Orphanet 238455, MedGen C2751067, MONDO:0013150.

Allele frequency attached by ClinVar (database versions not stated): ExAC 0.00001; gnomAD exomes 0.00001.
gnomAD v4.1: 7 of 1,612,840 alleles (0.00043%); highest among the groups gnomAD compares: East Asian, 0.0045%; no homozygotes.

Submission:

Labcorp Genetics (formerly Invitae), Labcorp
Classification: Uncertain significance for Parkinsonism-dystonia, infantile. Last evaluated: 2022-02-10. Review status: criteria provided, single submitter. Criteria: Invitae Variant Classification Sherloc (09022015). Collection method: clinical testing. Allele origin: germline.
Comment: This sequence change replaces glycine, which is neutral and non-polar, with serine, which is neutral and polar, at codon 361 of the SLC6A3 protein (p.Gly361Ser). This variant is present in population databases (rs766875221, gnomAD 0.006%). This variant has not been reported in the literature in individuals affected with SLC6A3-related conditions. Algorithms developed to predict the effect of missense changes on protein structure and function (SIFT, PolyPhen-2, Align-GVGD) all suggest that this variant is likely to be disruptive. Algorithms developed to predict the effect of sequence changes on RNA splicing suggest that this variant may create or strengthen a splice site. In summary, the available evidence is currently insufficient to determine the role of this variant in disease. Therefore, it has been classified as a Variant of Uncertain Significance.